The following is an entry in ClinVar:

ClinVar aggregate classification (germline): Uncertain significance (1 of 4 stars; one submission).

Conditions:
Hereditary cancer-predisposing syndrome. Also called: Tumor predisposition; Hereditary Cancer Syndrome; Hereditary neoplastic syndrome; Neoplastic Syndromes, Hereditary. Identifiers: Orphanet 140162, MedGen C0027672, MeSH D009386, MONDO:0015356.

Submission:

Labcorp Genetics (formerly Invitae), Labcorp
Classification: Uncertain significance for Hereditary cancer-predisposing syndrome. Last evaluated: 2022-01-21. Review status: criteria provided, single submitter. Criteria: Invitae Variant Classification Sherloc (09022015). Collection method: clinical testing. Allele origin: germline.
Comment: In summary, the available evidence is currently insufficient to determine the role of this variant in disease. Therefore, it has been classified as a Variant of Uncertain Significance. Algorithms developed to predict the effect of missense changes on protein structure and function output the following: SIFT: "Tolerated"; PolyPhen-2: "Benign"; Align-GVGD: "Class C0". The lysine amino acid residue is found in multiple mammalian species, which suggests that this missense change does not adversely affect protein function. This variant has not been reported in the literature in individuals affected with RAD50-related conditions. This variant is not present in population databases (gnomAD no frequency). This sequence change replaces threonine, which is neutral and polar, with lysine, which is basic and polar, at codon 866 of the RAD50 protein (p.Thr866Lys).

NM_005732.4(RAD50):c.2597C>A (p.Thr866Lys)

Gene: RAD50 (RAD50 double strand break repair protein; plus strand). Cytogenetic location: 5q31.1.
Variant type: single nucleotide variant.
Coding change: c.2597C>A on transcript NM_005732.4 (MANE Select); coding-DNA position 2597, C replaced by A.
Protein change: p.Thr866Lys; replaces threonine 866 with lysine.
Molecular consequence: missense variant.
Genome position (GRCh38, 1-based): chr5:132,604,878, C>A. VCF-style: chr5-132604878-C-A. GRCh37 (hg19) VCF-style: chr5-131940570-C-A.
Other names: short protein forms T866K.
Identifiers: ClinVar variation 2088790 (VCV002088790.4), dbSNP rs2479668370, ClinGen allele CA360956501.